The following is an entry in ClinVar:

NM_001127464.1:c.8219A>G

Gene: ZNF469 (zinc finger protein 469; plus strand).
Variant type: single nucleotide variant.
Identifiers: ClinVar variation 4209187 (VCV004209187.1).

ClinVar aggregate classification (germline): Uncertain significance (1 of 4 stars; one submission).

Conditions:
Cardiovascular phenotype. Identifiers: MedGen CN230736.

Submission:

Ambry Genetics
Classification: Uncertain significance for Cardiovascular phenotype. Last evaluated: 2025-07-29. Review status: criteria provided, single submitter. Criteria: Ambry Variant Classification Scheme 2023. Collection method: clinical testing. Allele origin: germline.
Comment: The p.K2740R variant (also known as c.8219A>G), located in coding exon 2 of the ZNF469 gene, results from an A to G substitution at nucleotide position 8219. The lysine at codon 2740 is replaced by arginine, an amino acid with highly similar properties. This amino acid position is conserved. In addition, this alteration is predicted to be tolerated by in silico analysis. Based on the available evidence, the clinical significance of this variant remains unclear.